The following is an entry in ClinVar:

ClinVar aggregate classification (germline): Likely benign. Review status: criteria provided, multiple submitters, no conflicts (2 of 4 stars). 2 submissions from 2 submitters: Likely benign (2). Last evaluated 2024-11-01.

Submissions (2):

CeGaT Center for Human Genetics Tuebingen
Classification: Likely benign. Last evaluated: 2024-11-01. Review status: criteria provided, single submitter. Criteria: CeGaT Center For Human Genetics Tuebingen Variant Classification Criteria Version 2. Collection method: clinical testing. Allele origin: germline. Affected: yes. Observed: 1 variant allele.
Comment: CISD2: PM2:Supporting, BP4, BP7

Blueprint Genetics
Classification: Likely benign. Last evaluated: 2021-09-13. Review status: criteria provided, single submitter. Criteria: ACMG Guidelines, 2015. Collection method: clinical testing. Allele origin: germline.

NM_001008388.5(CISD2):c.144C>G (p.Leu48=)

Genes: CISD2 (CDGSH iron sulfur domain 2; plus strand), SLC9B1 (solute carrier family 9 member B1; minus strand). Cytogenetic location: 4q24.
Variant type: single nucleotide variant.
Coding change: c.144C>G on transcript NM_001008388.5 (MANE Select); coding-DNA position 144, C replaced by G.
Protein change: p.Leu48=; no amino-acid change (leucine 48 retained).
Molecular consequence: synonymous variant. On other transcripts: missense variant (1), non-coding transcript variant (2).
Genome position (GRCh38, 1-based): chr4:102,885,256, C>G. VCF-style: chr4-102885256-C-G. GRCh37 (hg19) VCF-style: chr4-103806413-C-G.
Other names: c.1405G>C, p.Glu469Gln (NM_001100874.3); short protein forms E469Q.
Identifiers: ClinVar variation 3390274 (VCV003390274.15).
Genomic context (GRCh38, chr4:102,885,256, plus strand): 5'-TGACACATCTACATGTTTAGTTTCAGAATGGCTTCGGTTATTGCCTTTCCTTGGTGTACT[C>G]GCACTTCTTGGCTACCTTGCAGTTCGTCCATTCCTCCCGAAGAAGAAACAACAGAAGGAT-3'
Protein context (NP_001008389.1, residues 38-58): WLRLLPFLGV[Leu48=]ALLGYLAVRP